The following is an entry in ClinVar:

ClinVar aggregate classification (germline): Uncertain significance (1 of 4 stars; one submission).

Conditions:
Hereditary cancer-predisposing syndrome. Also called: Hereditary neoplastic syndrome; Neoplastic Syndromes, Hereditary; Tumor predisposition; Hereditary Cancer Syndrome. Identifiers: Orphanet 140162, MedGen C0027672, MeSH D009386, MONDO:0015356.

Submission:

Ambry Genetics
Classification: Uncertain significance for Hereditary cancer-predisposing syndrome. Last evaluated: 2025-01-29. Review status: criteria provided, single submitter. Criteria: Ambry Variant Classification Scheme 2023. Collection method: clinical testing. Allele origin: germline.
Comment: The p.P750Q variant (also known as c.2249C>A), located in coding exon 13 of the DICER1 gene, results from a C to A substitution at nucleotide position 2249. The proline at codon 750 is replaced by glutamine, an amino acid with similar properties. This amino acid position is conserved. In addition, the in silico prediction for this alteration is inconclusive. Based on the available evidence, the clinical significance of this variant remains unclear.

NM_177438.3(DICER1):c.2249C>A (p.Pro750Gln)

Gene: DICER1 (dicer 1, ribonuclease III; minus strand). Cytogenetic location: 14q32.13.
Variant type: single nucleotide variant.
Coding change: c.2249C>A on transcript NM_177438.3 (MANE Select); coding-DNA position 2249, C replaced by A.
Protein change: p.Pro750Gln; replaces proline 750 with glutamine.
Molecular consequence: missense variant. On other transcripts: non-coding transcript variant (6).
Genome position (GRCh38, 1-based): chr14:95,111,324, G>T on the plus strand (C>A on the coding strand, the complement: DICER1 is on the minus strand). VCF-style: chr14-95111324-G-T. GRCh37 (hg19) VCF-style: chr14-95577661-G-T.
Other names: c.2249C>A, p.Pro750Gln (NM_001195573.1, NM_001395680.1, NM_001395678.1 and 12 more transcripts); c.1967C>A, p.Pro656Gln (NM_001395686.1); c.1844C>A, p.Pro615Gln (NM_001395687.1, NM_001395688.1, NM_001395689.1 and 3 more transcripts); c.1682C>A, p.Pro561Gln (NM_001395691.1); c.566C>A, p.Pro189Gln (NM_001395697.1); short protein forms P615Q, P750Q, P561Q, P656Q, P189Q.
Identifiers: ClinVar variation 3840019 (VCV003840019.1).